The following is an entry in ClinVar:

NM_017882.3(CLN6):c.583_596del (p.Gly195fs)

Gene: CLN6 (CLN6 transmembrane ER protein; minus strand). Cytogenetic location: 15q23.
Variant type: Deletion.
Coding change: c.583_596del on transcript NM_017882.3 (MANE Select); coding-DNA positions 583 to 596, 14 bases deleted (GGCTGCTTTACTGC).
Protein change: p.Gly195fs; shifts the reading frame from glycine 195.
Molecular consequence: frameshift variant.
Genome position (GRCh38, 1-based): chr15:68,209,706-68,209,719, GCAGTAAAGCAGCC deleted on the plus strand (GGCTGCTTTACTGC on the coding strand, the reverse complement: CLN6 is on the minus strand); deleting any 14 consecutive bases within chr15:68,209,706-68,209,721 gives the same sequence; the c. name uses the placement nearest the transcript's 3' end. VCF-style (leftmost placement, unchanged base first): chr15-68209705-GGCAGTAAAGCAGCC-G. GRCh37 (hg19) VCF-style: chr15-68502043-GGCAGTAAAGCAGCC-G.
Other names: short protein forms G195fs.
Identifiers: ClinVar variation 1068527 (VCV001068527.7), dbSNP rs2093199030, ClinGen allele CA2184879598.
Genomic context (GRCh38, chr15:68,209,705, plus strand): 5'-CAGGCCACTGGGTGCCACCAGGAGCAGGGCAGGCCCTGGAATCAAGCTCTCAGCTTTAGA[GGCAGTAAAGCAGCC>G]GCTGAAGTACATGAAGAGGATGAGGAAGAAGGGGATGTACCTGTGACAGGAAGGCCAGTG-3'

ClinVar aggregate classification (germline): Pathogenic (1 of 4 stars; one submission).

Conditions:
Neuronal ceroid lipofuscinosis. Also called: Neuronal Ceroid Lipofuscinoses. Identifiers: Orphanet 216, Orphanet 79263, MedGen C0027877, MONDO:0016295. Disease mechanism: loss of function.

Submission:

Labcorp Genetics (formerly Invitae), Labcorp
Classification: Pathogenic for Neuronal ceroid lipofuscinosis. Last evaluated: 2020-03-01. Review status: criteria provided, single submitter. Criteria: Invitae Variant Classification Sherloc (09022015). Collection method: clinical testing. Allele origin: germline.
Comment: This variant is not present in population databases (ExAC no frequency). This sequence change creates a premature translational stop signal (p.Gly195Leufs*2) in the CLN6 gene. It is expected to result in an absent or disrupted protein product. This variant has not been reported in the literature in individuals with CLN6-related conditions. Loss-of-function variants in CLN6 are known to be pathogenic (PMID: 19135028). For these reasons, this variant has been classified as Pathogenic.

Literature cited by the submitters: PubMed 19135028.